The following is an entry in ClinVar:

NM_018139.3(DNAAF2):c.1159G>T (p.Glu387Ter)

Genes: DNAAF2 (dynein axonemal assembly factor 2; minus strand), LOC130055542 (ATAC-STARR-seq lymphoblastoid silent region 5699; plus strand). Cytogenetic location: 14q21.3.
Variant type: single nucleotide variant.
Coding change: c.1159G>T on transcript NM_018139.3 (MANE Select); coding-DNA position 1159, G replaced by T.
Protein change: p.Glu387Ter; replaces glutamic acid 387 with a stop codon.
Molecular consequence: nonsense.
Genome position (GRCh38, 1-based): chr14:49,633,991, C>A on the plus strand (G>T on the coding strand, the complement: DNAAF2 is on the minus strand). VCF-style: chr14-49633991-C-A. GRCh37 (hg19) VCF-style: chr14-50100709-C-A.
Other names: c.1159G>T, p.Glu387Ter (NM_001083908.2); short protein forms E387*.
Identifiers: ClinVar variation 1736174 (VCV001736174.2), dbSNP rs1439733262, ClinGen allele CA389629274.

ClinVar aggregate classification (germline): Pathogenic (1 of 4 stars; one submission).

Conditions:
Primary ciliary dyskinesia. Also called: Ciliary dyskinesia. Identifiers: Orphanet 244, MedGen C0008780, MONDO:0016575, HP:0012265.

gnomAD v4.1: 2 of 1,523,696 alleles (0.00013%); highest among the groups gnomAD compares: Non-Finnish European, 0.00018%; no homozygotes.

Submission:

Ambry Genetics
Classification: Pathogenic for Primary ciliary dyskinesia. Last evaluated: 2014-10-08. Review status: criteria provided, single submitter. Criteria: Ambry Variant Classification Scheme 2023. Collection method: clinical testing. Allele origin: germline.
Comment: The p.E387* pathogenic mutation (also known as c.1159G>T), located in coding exon 1 of the DNAAF2 gene, results from a G to T substitution at nucleotide position 1159. This changes the amino acid from a glutamic acid to a stop codon within coding exon 1. Since premature stop codons are typically deleterious in nature, this alteration is interpreted as a disease-causing mutation (ACMG Recommendations for Standards for Interpretation and Reporting of Sequence Variations. Revision 2007. Genet Med. 2008;10:294).